The following is an entry in ClinVar:

NM_000548.5(TSC2):c.4566T>G (p.Asn1522Lys)

Gene: TSC2 (TSC complex subunit 2; plus strand). Cytogenetic location: 16p13.3.
Variant type: single nucleotide variant.
Coding change: c.4566T>G on transcript NM_000548.5 (MANE Select); coding-DNA position 4566, T replaced by G.
Protein change: p.Asn1522Lys; replaces asparagine 1522 with lysine.
Molecular consequence: missense variant. On other transcripts: non-coding transcript variant (5).
Genome position (GRCh38, 1-based): chr16:2,085,023, T>G. VCF-style: chr16-2085023-T-G. GRCh37 (hg19) VCF-style: chr16-2135024-T-G.
Other names: c.4365T>G, p.Asn1455Lys (NM_001077183.3); c.4497T>G, p.Asn1499Lys (NM_001114382.3); c.4458T>G, p.Asn1486Lys (NM_001406667.1); c.4455T>G, p.Asn1485Lys (NM_001406668.1); c.4386T>G, p.Asn1462Lys (NM_001406670.1); c.4356T>G, p.Asn1452Lys (NM_001406671.1); c.4353T>G, p.Asn1451Lys (NM_001406673.1); c.4350T>G, p.Asn1450Lys (NM_001406675.1); and 26 more; short protein forms N1008K, N1030K, N1255K, N1298K, N1302K, N1406K, N1418K, N1436K.
Identifiers: ClinVar variation 2719382 (VCV002719382.3), dbSNP rs2544308739, ClinGen allele CA394303084.

ClinVar aggregate classification (germline): Uncertain significance (1 of 4 stars; one submission).

Conditions:
Tuberous sclerosis 2 (TSC2). Identifiers: Orphanet 805, MedGen C1860707, MONDO:0013199, OMIM 613254.

Submission:

Labcorp Genetics (formerly Invitae), Labcorp
Classification: Uncertain significance for Tuberous sclerosis 2. Last evaluated: 2023-06-19. Review status: criteria provided, single submitter. Criteria: Invitae Variant Classification Sherloc (09022015). Collection method: clinical testing. Allele origin: germline.
Comment: This variant has not been reported in the literature in individuals affected with TSC2-related conditions. This sequence change replaces asparagine, which is neutral and polar, with lysine, which is basic and polar, at codon 1522 of the TSC2 protein (p.Asn1522Lys). This variant is not present in population databases (gnomAD no frequency). Advanced modeling of protein sequence and biophysical properties (such as structural, functional, and spatial information, amino acid conservation, physicochemical variation, residue mobility, and thermodynamic stability) performed at Invitae indicates that this missense variant is not expected to disrupt TSC2 protein function. In summary, the available evidence is currently insufficient to determine the role of this variant in disease. Therefore, it has been classified as a Variant of Uncertain Significance.